The following is an entry in ClinVar:

NM_002439.5(MSH3):c.3303-5C>T

Gene: MSH3 (mutS homolog 3; plus strand). Cytogenetic location: 5q14.1.
Variant type: single nucleotide variant.
Coding change: c.3303-5C>T on transcript NM_002439.5 (MANE Select); 5 bases into the intron before coding-DNA position 3303, C replaced by T.
Molecular consequence: intron variant.
Genome position (GRCh38, 1-based): chr5:80,875,746, C>T. VCF-style: chr5-80875746-C-T. GRCh37 (hg19) VCF-style: chr5-80171565-C-T.
Identifiers: ClinVar variation 3222294 (VCV003222294.1), dbSNP rs2112131686, ClinGen allele CA2674446465.

ClinVar aggregate classification (germline): Uncertain significance (1 of 4 stars; one submission).

Conditions:
Hereditary cancer-predisposing syndrome. Also called: Tumor predisposition; Hereditary neoplastic syndrome; Hereditary Cancer Syndrome; Neoplastic Syndromes, Hereditary. Identifiers: Orphanet 140162, MedGen C0027672, MeSH D009386, MONDO:0015356.

Submission:

Ambry Genetics
Classification: Uncertain significance for Hereditary cancer-predisposing syndrome. Last evaluated: 2024-02-07. Review status: criteria provided, single submitter. Criteria: Ambry Variant Classification Scheme 2023. Collection method: clinical testing. Allele origin: germline.
Comment: The c.3303-5C>T intronic variant results from a C to T substitution 5 nucleotides upstream from coding exon 24 in the MSH3 gene. This nucleotide position is poorly conserved in available vertebrate species. In silico splice site analysis predicts that this alteration will not have any significant effect on splicing. Based on the available evidence, the clinical significance of this alteration remains unclear.